The following is an entry in ClinVar:

ClinVar aggregate classification (germline): Benign/Likely benign. Review status: criteria provided, multiple submitters, no conflicts (2 of 4 stars). 10 submissions from 6 submitters: Benign (8); Likely benign (1). 1 of the submissions does not count toward it. Last evaluated 2026-02-14.

Conditions:
Severe early-childhood-onset retinal dystrophy (STGD1). Also called: Stargardt macular dystrophy; Juvenile onset macular degeneration; Stargardt disease 1; MACULAR DYSTROPHY WITH FLECKS, TYPE 1; STGD. Identifiers: Orphanet 364055, Orphanet 827, MedGen C1855465, MeSH D000080362, MONDO:0009549, OMIM 248200.
Age related macular degeneration 2. Also called: MACULOPATHY, AGE-RELATED; MACULAR DEGENERATION, SENILE; MACULOPATHY, AGE-RELATED, 2. Identifiers: MedGen C3495438, MONDO:0007932, OMIM 153800.
Retinitis pigmentosa 19 (RP19). Also called: ABCA4-Related Retinitis Pigmentosa. Identifiers: Orphanet 791, MedGen C1866422, MONDO:0011137, OMIM 601718.
Cone-rod dystrophy 3 (CORD3). Identifiers: Orphanet 1872, MedGen C1858806, MONDO:0011395, OMIM 604116.

Submissions (10):

Women's Health and Genetics/Laboratory Corporation of America, LabCorp
Classification: Benign. Last evaluated: 2026-02-14. Review status: criteria provided, single submitter. Criteria: LabCorp Variant Classification Summary - May 2015. Collection method: clinical testing. Allele origin: germline.

Labcorp Genetics (formerly Invitae), Labcorp
Classification: Benign. Last evaluated: 2026-02-04. Review status: criteria provided, single submitter. Criteria: Invitae Variant Classification Sherloc (09022015). Collection method: clinical testing. Allele origin: germline.

Blueprint Genetics
Classification: Likely benign. Last evaluated: 2024-11-26. Review status: criteria provided, single submitter. Criteria: ACMG Guidelines, 2015. Collection method: clinical testing. Allele origin: germline.

Genome-Nilou Lab
Classification: Benign for Severe early-childhood-onset retinal dystrophy. Last evaluated: 2021-07-14. Review status: criteria provided, single submitter. Criteria: ACMG Guidelines, 2015. Collection method: clinical testing. Allele origin: germline. Affected: no.

Genome-Nilou Lab
Classification: Benign for Retinitis pigmentosa 19. Last evaluated: 2021-07-14. Review status: criteria provided, single submitter. Criteria: ACMG Guidelines, 2015. Collection method: clinical testing. Allele origin: germline. Affected: no.

Genome-Nilou Lab
Classification: Benign for Cone-rod dystrophy 3. Last evaluated: 2021-07-14. Review status: criteria provided, single submitter. Criteria: ACMG Guidelines, 2015. Collection method: clinical testing. Allele origin: germline. Affected: no.

Genome-Nilou Lab
Classification: Benign for Age related macular degeneration 2. Last evaluated: 2021-07-14. Review status: criteria provided, single submitter. Criteria: ACMG Guidelines, 2015. Collection method: clinical testing. Allele origin: germline. Affected: no.

GeneDx
Classification: Benign. Last evaluated: 2018-05-24. Review status: criteria provided, single submitter. Criteria: GeneDx Variant Classification Process June 2021. Collection method: clinical testing. Allele origin: germline. Affected: yes.

PreventionGenetics, part of Exact Sciences
Classification: Benign. Review status: criteria provided, single submitter. Criteria: ACMG Guidelines, 2015. Collection method: clinical testing. Allele origin: germline.

GeneDx
Classification: Benign. Last evaluated: 2015-03-03. Review status: flagged submission. Criteria: GeneDx Variant Classification Process June 2021. Collection method: clinical testing. Allele origin: germline. Affected: yes. Not counted in ClinVar's aggregate classification.
ClinVar note: Reason: This record appears to be redundant with a more recent record from the same submitter.
ClinVar note: Notes: SCV001881251 appears to be redundant with SCV000730630.

NM_000350.3(ABCA4):c.4774-17_4774-16del

Genes: ABCA4 (ATP binding cassette subfamily A member 4; minus strand), LOC126805793 (CDK7 strongly-dependent group 2 enhancer GRCh37_chr1:94486302-94487501; plus strand). Cytogenetic location: 1p22.1.
Variant type: Deletion.
Coding change: c.4774-17_4774-16del on transcript NM_000350.3 (MANE Select); 17 bases into the intron before coding-DNA position 4774 through 16 bases into the intron before coding-DNA position 4774, 2 bases deleted (GT; older notation c.4774-17_4774-16delGT).
Molecular consequence: intron variant.
Genome position (GRCh38, 1-based): chr1:94,021,730-94,021,731, AC deleted on the plus strand (GT on the coding strand, the reverse complement: ABCA4 is on the minus strand); deleting any 2 consecutive bases within chr1:94,021,730-94,021,732 gives the same sequence; the c. name uses the placement nearest the transcript's 3' end. VCF-style (leftmost placement, unchanged base first): chr1-94021729-AAC-A. GRCh37 (hg19) VCF-style: chr1-94487285-AAC-A.
Other names: c.4774-17_4774-16delGT (NM_000350.2, NM_000350.3).
Identifiers: ClinVar variation 255923 (VCV000255923.26), dbSNP rs55860151, ClinGen allele CA957466.